The following is an entry in ClinVar:

ClinVar aggregate classification (germline): Uncertain significance (1 of 4 stars; one submission).

Submission:

Labcorp Genetics (formerly Invitae), Labcorp
Classification: Uncertain significance. Last evaluated: 2023-12-11. Review status: criteria provided, single submitter. Criteria: Invitae Variant Classification Sherloc (09022015). Collection method: clinical testing. Allele origin: germline.
Comment: This variant, c.182_187del, results in the deletion of 2 amino acid(s) of the SLC39A7 protein (p.Ala61_His62del), but otherwise preserves the integrity of the reading frame. This variant is present in population databases (no rsID available, gnomAD 0.004%). This variant has not been reported in the literature in individuals affected with SLC39A7-related conditions. ClinVar contains an entry for this variant (Variation ID: 1486280). Experimental studies and prediction algorithms are not available or were not evaluated, and the functional significance of this variant is currently unknown. In summary, the available evidence is currently insufficient to determine the role of this variant in disease. Therefore, it has been classified as a Variant of Uncertain Significance.

NM_006979.3(SLC39A7):c.182_187del (p.Ala61_His62del)

Gene: SLC39A7 (solute carrier family 39 member 7; plus strand). Cytogenetic location: 6p21.32.
Variant type: Deletion.
Coding change: c.182_187del on transcript NM_006979.3 (MANE Select); coding-DNA positions 182 to 187, 6 bases deleted (CCCATG; older notation c.182_187delCCCATG).
Protein change: p.Ala61_His62del.
Molecular consequence: inframe deletion. On other transcripts: intron variant (1).
Genome position (GRCh38, 1-based): chr6:33,201,427-33,201,432, CCCATG deleted; deleting any 6 consecutive bases within chr6:33,201,422-33,201,432 gives the same sequence; the c. name uses the placement nearest the transcript's 3' end. VCF-style (leftmost placement, unchanged base first): chr6-33201421-GCCATGC-G. GRCh37 (hg19) VCF-style: chr6-33169198-GCCATGC-G.
Other names: c.182_187del, p.Ala61_His62del (NM_001077516.2); c.52+39_52+44del (NM_001288777.2).
Identifiers: ClinVar variation 1486280 (VCV001486280.7), dbSNP rs1175430129, ClinGen allele CA566699053.